The following is an entry in ClinVar:

NM_000051.4(ATM):c.7928-6A>G

Genes: ATM (ATM serine/threonine kinase; plus strand), C11orf65 (chromosome 11 open reading frame 65; minus strand). Cytogenetic location: 11q22.3.
Variant type: single nucleotide variant.
Coding change: c.7928-6A>G on transcript NM_000051.4 (MANE Select); 6 bases into the intron before coding-DNA position 7928, A replaced by G.
Molecular consequence: intron variant.
Genome position (GRCh38, 1-based): chr11:108,333,880, A>G. VCF-style: chr11-108333880-A-G. GRCh37 (hg19) VCF-style: chr11-108204607-A-G.
Other names: c.7928-6A>G (NM_001351834.2); c.641-24809T>C (NM_001330368.2); c.*38+1340T>C (NM_001351110.2).
Identifiers: ClinVar variation 3769370 (VCV003769370.2).
Genomic context (GRCh38, chr11:108,333,880, plus strand): 5'-ATTCCTGCTTGACCTTCAATGCTGTTCCTCAGTTTGTCACTAAAATCTCTTCATTTTTAA[A>G]TACAGAAGGCATAAATATTCCAGCAGACCAGCCAATTACTAAACTTAAGAATTTAGAAGA-3'

ClinVar aggregate classification (germline): Uncertain significance (1 of 4 stars; one submission).

Submission:

Women's Health and Genetics/Laboratory Corporation of America, LabCorp
Classification: Uncertain significance. Last evaluated: 2025-01-28. Review status: criteria provided, single submitter. Criteria: LabCorp Variant Classification Summary - May 2015. Collection method: clinical testing. Allele origin: germline.
Comment: Variant summary: ATM c.7928-6A>G alters a non-conserved nucleotide located close to a canonical splice site and therefore could affect mRNA splicing, leading to a significantly altered protein sequence. Several computational tools predict a significant impact on normal splicing: Two predict the variant creates a 3' acceptor site. One predict the variant abolishes a 3' acceptor site. One predict the variant weakens a 3' acceptor site. However, these predictions have yet to be confirmed by functional studies. The variant was absent in 251210 control chromosomes (gnomAD). The available data on variant occurrences in the general population are insufficient to allow any conclusion about variant significance. To our knowledge, no occurrence of c.7928-6A>G in individuals affected with Ataxia-Telangiectasia and no experimental evidence demonstrating its impact on protein function have been reported. No submitters have cited clinical-significance assessments for this variant to ClinVar. Based on the evidence outlined above, the variant was classified as uncertain significance.